The following is an entry in ClinVar:

NM_001286.5(CLCN6):c.1553C>T (p.Ser518Leu)

Gene: CLCN6 (chloride voltage-gated channel 6; plus strand). Cytogenetic location: 1p36.22.
Variant type: single nucleotide variant.
Coding change: c.1553C>T on transcript NM_001286.5 (MANE Select); coding-DNA position 1553, C replaced by T.
Protein change: p.Ser518Leu; replaces serine 518 with leucine.
Molecular consequence: missense variant. On other transcripts: non-coding transcript variant (1).
Genome position (GRCh38, 1-based): chr1:11,834,262, C>T. VCF-style: chr1-11834262-C-T. GRCh37 (hg19) VCF-style: chr1-11894319-C-T.
Other names: c.1487C>T, p.Ser496Leu (NM_001256959.2); short protein forms S496L, S518L.
Identifiers: ClinVar variation 2990647 (VCV002990647.3), dbSNP rs149710478, ClinGen allele CA596543.
Genomic context (GRCh38, chr1:11,834,262, plus strand): 5'-TCAAAGCCATGTTCTCGGTGTTTTCCTTCACTAGCTACATTGGATTGGGCCACATCTATT[C>T]GGGGACCTTTGCCCTGATTGGTGCAGCGGCTTTCTTGGGCGGGGTGGTCCGCATGACCAT-3'
Protein context (NP_001277.2, residues 508-528): KSYIGLGHIY[Ser518Leu]GTFALIGAAA

ClinVar aggregate classification (germline): Uncertain significance (1 of 4 stars; one submission).

Allele frequency attached by ClinVar (database versions not stated): gnomAD 0.00001; gnomAD exomes 0.00001; TOPMed 0.00001; ExAC 0.00002; ESP Exome Variant Server 0.00008.
gnomAD v4.1: 15 of 1,613,744 alleles (0.00093%); highest among the groups gnomAD compares: East Asian, 0.0067%; no homozygotes.

Submission:

Labcorp Genetics (formerly Invitae), Labcorp
Classification: Uncertain significance. Last evaluated: 2022-11-12. Review status: criteria provided, single submitter. Criteria: Invitae Variant Classification Sherloc (09022015). Collection method: clinical testing. Allele origin: germline.
Comment: This sequence change replaces serine, which is neutral and polar, with leucine, which is neutral and non-polar, at codon 518 of the CLCN6 protein (p.Ser518Leu). This variant is present in population databases (rs149710478, gnomAD 0.005%). This variant has not been reported in the literature in individuals affected with CLCN6-related conditions. Algorithms developed to predict the effect of missense changes on protein structure and function (SIFT, PolyPhen-2, Align-GVGD) all suggest that this variant is likely to be tolerated. In summary, the available evidence is currently insufficient to determine the role of this variant in disease. Therefore, it has been classified as a Variant of Uncertain Significance.